The following is an entry in ClinVar:

NM_171998.4(RAB39B):c.280C>T (p.Arg94Cys)

Gene: RAB39B (RAB39B, member RAS oncogene family; minus strand). Cytogenetic location: Xq28.
Variant type: single nucleotide variant.
Coding change: c.280C>T on transcript NM_171998.4 (MANE Select); coding-DNA position 280, C replaced by T.
Protein change: p.Arg94Cys; replaces arginine 94 with cysteine.
Molecular consequence: missense variant.
Genome position (GRCh38, 1-based): chrX:155,261,165, G>A on the plus strand (C>T on the coding strand, the complement: RAB39B is on the minus strand). VCF-style: chrX-155261165-G-A. GRCh37 (hg19) VCF-style: chrX-154490450-G-A.
Other names: short protein forms R94C.
Identifiers: ClinVar variation 1970242 (VCV001970242.5), dbSNP rs781954592, ClinGen allele CA10569222.

ClinVar aggregate classification (germline): Uncertain significance (1 of 4 stars; one submission).

Allele frequency attached by ClinVar (database versions not stated): gnomAD exomes 0.00001; ExAC 0.00002.
gnomAD v4.1: 12 of 1,209,108 alleles (0.00099%); highest among the groups gnomAD compares: African/African-American, 0.0017%; no homozygotes.

Submission:

Labcorp Genetics (formerly Invitae), Labcorp
Classification: Uncertain significance. Last evaluated: 2022-04-18. Review status: criteria provided, single submitter. Criteria: Invitae Variant Classification Sherloc (09022015). Collection method: clinical testing. Allele origin: germline.
Comment: This sequence change replaces arginine, which is basic and polar, with cysteine, which is neutral and slightly polar, at codon 94 of the RAB39B protein (p.Arg94Cys). This variant is present in population databases (rs781954592, gnomAD 0.004%), including at least one homozygous and/or hemizygous individual. In summary, the available evidence is currently insufficient to determine the role of this variant in disease. Therefore, it has been classified as a Variant of Uncertain Significance. Algorithms developed to predict the effect of missense changes on protein structure and function (SIFT, PolyPhen-2, Align-GVGD) all suggest that this variant is likely to be disruptive. This variant has not been reported in the literature in individuals affected with RAB39B-related conditions.